The following is an entry in ClinVar:

ClinVar aggregate classification (germline): Likely benign. Review status: criteria provided, single submitter (1 of 4 stars). 2 submissions from 2 submitters: Likely benign (1). 1 of the submissions does not count toward it. Last evaluated 2023-09-12.

Conditions:
NEB-related disorder. Also called: NEB-related condition; NEB-Related Disorders.
Nemaline myopathy 2 (NEM2). Also called: Nemaline myopathy 2, autosomal recessive. Identifiers: MedGen C1850569, MONDO:0009725, OMIM 256030.

Allele frequency attached by ClinVar (database versions not stated): gnomAD exomes below 0.00001 and 0.00001; TOPMed 0.00001; ExAC 0.00002; gnomAD 0.00002.
gnomAD v4.1: 6 of 1,605,044 alleles (0.00037%); highest among the groups gnomAD compares: African/African-American, 0.004%; no homozygotes.

Submissions (2):

Labcorp Genetics (formerly Invitae), Labcorp
Classification: Likely benign for Nemaline myopathy 2. Last evaluated: 2023-09-12. Review status: criteria provided, single submitter. Criteria: Invitae Variant Classification Sherloc (09022015). Collection method: clinical testing. Allele origin: germline.

PreventionGenetics, part of Exact Sciences
Classification: Likely benign for NEB-related condition. Last evaluated: 2022-04-07. Review status: no assertion criteria provided. Collection method: clinical testing. Allele origin: germline. Not counted in ClinVar's aggregate classification.
Comment: This variant is classified as likely benign based on ACMG/AMP sequence variant interpretation guidelines (Richards et al. 2015 PMID: 25741868, with internal and published modifications).

NM_001164508.2(NEB):c.22785A>G (p.Thr7595=)

Genes: NEB (nebulin; minus strand), RIF1 (replication timing regulatory factor 1; plus strand). Cytogenetic location: 2q23.3.
Variant type: single nucleotide variant.
Coding change: c.22785A>G on transcript NM_001164508.2 (MANE Select); coding-DNA position 22785, A replaced by G.
Protein change: p.Thr7595=; no amino-acid change (threonine 7595 retained).
Molecular consequence: synonymous variant.
Genome position (GRCh38, 1-based): chr2:151,518,333, T>C on the plus strand (A>G on the coding strand, the complement: NEB is on the minus strand). VCF-style: chr2-151518333-T-C. GRCh37 (hg19) VCF-style: chr2-152374847-T-C.
Other names: c.22785A>G, p.Thr7595= (NM_001164507.2); c.22890A>G, p.Thr7630= (NM_001271208.2); c.17682A>G, p.Thr5894= (NM_004543.5); c.22890A>G (NM_001271208.1).
Identifiers: ClinVar variation 1085194 (VCV001085194.11), dbSNP rs764672920, ClinGen allele CA1906541.